The following is an entry in ClinVar:

NM_148919.4(PSMB8):c.686G>A (p.Arg229His)

Gene: PSMB8 (proteasome 20S subunit beta 8; minus strand). Cytogenetic location: 6p21.32.
Variant type: single nucleotide variant.
Coding change: c.686G>A on transcript NM_148919.4 (MANE Select); coding-DNA position 686, G replaced by A.
Protein change: p.Arg229His; replaces arginine 229 with histidine.
Molecular consequence: missense variant.
Genome position (GRCh38, 1-based): chr6:32,841,587, C>T on the plus strand (G>A on the coding strand, the complement: PSMB8 is on the minus strand). VCF-style: chr6-32841587-C-T. GRCh37 (hg19) VCF-style: chr6-32809364-C-T.
Other names: c.674G>A, p.Arg225His (LRG_1328t2, NM_004159.5); c.686G>A, p.Arg229His (LRG_1328t1); short protein forms R225H, R229H.
Identifiers: ClinVar variation 356363 (VCV000356363.18), dbSNP rs547653681, ClinGen allele CA3746314.

ClinVar aggregate classification (germline): Conflicting classifications of pathogenicity. Review status: criteria provided, conflicting classifications (1 of 4 stars). 5 submissions from 5 submitters: Uncertain significance (2); Likely benign (3). Last evaluated 2026-01-23.

Conditions:
Proteosome-associated autoinflammatory syndrome. Also called: Proteasome-associated autoinflammatory syndrome. Identifiers: Orphanet 324977, MedGen C1850568, MONDO:0009726.
PSMB8-related disorder. Also called: PSMB8-related condition.
Autoinflammatory syndrome. Identifiers: Orphanet 93665, MedGen C3890737, MONDO:0019751.
Proteasome-associated autoinflammatory syndrome 1 (PRAAS1). Also called: Nakajo syndrome; JOINT CONTRACTURES, MUSCULAR ATROPHY, MICROCYTIC ANEMIA, AND PANNICULITIS-INDUCED LIPODYSTROPHY; JMP SYNDROME; AUTOINFLAMMATION, LIPODYSTROPHY, AND DERMATOSIS SYNDROME; NAKAJO-NISHIMURA SYNDROME; CHRONIC ATYPICAL NEUTROPHILIC DERMATOSIS WITH LIPODYSTROPHY AND ELEVATED TEMPERATURE SYNDROME. Identifiers: Orphanet 2615, Orphanet 324977, Orphanet 324999, Orphanet 325004, MedGen C4746851, MONDO:0054698, OMIM 256040.

Allele frequency attached by ClinVar (database versions not stated): gnomAD 0.00001 and 0.00006; TOPMed 0.00005; ExAC 0.00036; gnomAD exomes 0.00041; 1000 Genomes Project 30x 0.00078; 1000 Genomes Project 0.00100.

Submissions (5):

Labcorp Genetics (formerly Invitae), Labcorp
Classification: Likely benign for Proteosome-associated autoinflammatory syndrome. Last evaluated: 2026-01-23. Review status: criteria provided, single submitter. Criteria: Invitae Variant Classification Sherloc (09022015). Collection method: clinical testing. Allele origin: germline.

PreventionGenetics, part of Exact Sciences
Classification: Likely benign for PSMB8-related condition. Last evaluated: 2025-06-18. Review status: criteria provided, single submitter. Criteria: ACMG Guidelines, 2015. Collection method: clinical testing. Allele origin: germline.
Comment: This variant is classified as likely benign based on ACMG/AMP sequence variant interpretation guidelines (Richards et al. 2015 PMID: 25741868, with internal and published modifications).

Revvity Omics, Revvity
Classification: Likely benign for Proteasome-associated autoinflammatory syndrome 1. Last evaluated: 2024-01-11. Review status: criteria provided, single submitter. Criteria: ACMG Guidelines, 2015. Collection method: clinical testing. Allele origin: germline.

Genome Diagnostics Laboratory, The Hospital for Sick Children
Classification: Uncertain significance for Autoinflammatory syndrome. Last evaluated: 2021-06-01. Review status: criteria provided, single submitter. Criteria: ACMG Guidelines, 2015. Collection method: clinical testing. Allele origin: germline. Affected: yes.

Illumina Laboratory Services, Illumina
Classification: Uncertain significance for Proteasome-associated autoinflammatory syndrome 1. Last evaluated: 2018-01-12. Review status: criteria provided, single submitter. Criteria: ICSL Variant Classification Criteria 13 December 2019. Collection method: clinical testing. Allele origin: germline.